The following is an entry in ClinVar:

NM_004646.4(NPHS1):c.1559C>A (p.Ser520Ter)

Gene: NPHS1 (NPHS1 adhesion molecule, nephrin; minus strand). Cytogenetic location: 19q13.12.
Variant type: single nucleotide variant.
Coding change: c.1559C>A on transcript NM_004646.4 (MANE Select); coding-DNA position 1559, C replaced by A.
Protein change: p.Ser520Ter; replaces serine 520 with a stop codon.
Molecular consequence: nonsense.
Genome position (GRCh38, 1-based): chr19:35,846,076, G>T on the plus strand (C>A on the coding strand, the complement: NPHS1 is on the minus strand). VCF-style: chr19-35846076-G-T. GRCh37 (hg19) VCF-style: chr19-36336978-G-T.
Other names: short protein forms S520*.
Identifiers: ClinVar variation 2043309 (VCV002043309.4), dbSNP rs2513774314, ClinGen allele CA405400252.

ClinVar aggregate classification (germline): Pathogenic (1 of 4 stars; one submission).

Submission:

Labcorp Genetics (formerly Invitae), Labcorp
Classification: Pathogenic. Last evaluated: 2021-12-15. Review status: criteria provided, single submitter. Criteria: Invitae Variant Classification Sherloc (09022015). Collection method: clinical testing. Allele origin: germline.
Comment: For these reasons, this variant has been classified as Pathogenic. This variant has not been reported in the literature in individuals affected with NPHS1-related conditions. This variant is not present in population databases (gnomAD no frequency). This sequence change creates a premature translational stop signal (p.Ser520*) in the NPHS1 gene. It is expected to result in an absent or disrupted protein product. Loss-of-function variants in NPHS1 are known to be pathogenic (PMID: 11317351, 11854170, 12039988).

Literature cited by the submitters: PubMed 11317351; PubMed 11854170; PubMed 12039988.